The following is an entry in ClinVar:

ClinVar aggregate classification (germline): Uncertain significance (1 of 4 stars; one submission).

Submission:

Labcorp Genetics (formerly Invitae), Labcorp
Classification: Uncertain significance. Last evaluated: 2023-09-17. Review status: criteria provided, single submitter. Criteria: Invitae Variant Classification Sherloc (09022015). Collection method: clinical testing. Allele origin: germline.
Comment: This sequence change replaces lysine, which is basic and polar, with arginine, which is basic and polar, at codon 1285 of the SAMD9L protein (p.Lys1285Arg). This variant is not present in population databases (gnomAD no frequency). This variant has not been reported in the literature in individuals affected with SAMD9L-related conditions. Advanced modeling of protein sequence and biophysical properties (such as structural, functional, and spatial information, amino acid conservation, physicochemical variation, residue mobility, and thermodynamic stability) performed at Invitae indicates that this missense variant is not expected to disrupt SAMD9L protein function. In summary, the available evidence is currently insufficient to determine the role of this variant in disease. Therefore, it has been classified as a Variant of Uncertain Significance.

NM_152703.5(SAMD9L):c.3854A>G (p.Lys1285Arg)

Gene: SAMD9L (sterile alpha motif domain containing 9 like; minus strand). Cytogenetic location: 7q21.2.
Variant type: single nucleotide variant.
Coding change: c.3854A>G on transcript NM_152703.5 (MANE Select); coding-DNA position 3854, A replaced by G.
Protein change: p.Lys1285Arg; replaces lysine 1285 with arginine.
Molecular consequence: missense variant.
Genome position (GRCh38, 1-based): chr7:93,132,118, T>C on the plus strand (A>G on the coding strand, the complement: SAMD9L is on the minus strand). VCF-style: chr7-93132118-T-C. GRCh37 (hg19) VCF-style: chr7-92761431-T-C.
Other names: c.3854A>G, p.Lys1285Arg (NM_001303496.3, NM_001303497.3, NM_001303498.3 and 5 more transcripts); short protein forms K1285R.
Identifiers: ClinVar variation 2789463 (VCV002789463.3), dbSNP rs2535408694, ClinGen allele CA368179537.